The following is an entry in ClinVar:

NM_018082.6(POLR3B):c.1609T>C (p.Phe537Leu)

Gene: POLR3B (RNA polymerase III subunit B; plus strand). Cytogenetic location: 12q23.3.
Variant type: single nucleotide variant.
Coding change: c.1609T>C on transcript NM_018082.6 (MANE Select); coding-DNA position 1609, T replaced by C.
Protein change: p.Phe537Leu; replaces phenylalanine 537 with leucine.
Molecular consequence: missense variant.
Genome position (GRCh38, 1-based): chr12:106,432,462, T>C. VCF-style: chr12-106432462-T-C. GRCh37 (hg19) VCF-style: chr12-106826240-T-C.
Other names: c.1435T>C, p.Phe479Leu (NM_001160708.2); short protein forms F479L, F537L.
Identifiers: ClinVar variation 4534044 (VCV004534044.6).

ClinVar aggregate classification (germline): Uncertain significance (1 of 4 stars; one submission).

gnomAD v4.1: 3 of 1,612,724 alleles (0.00019%); highest among the groups gnomAD compares: African/African-American, 0.004%; no homozygotes.

Submission:

CeGaT Center for Human Genetics Tuebingen
Classification: Uncertain significance. Last evaluated: 2025-10-01. Review status: criteria provided, single submitter. Criteria: CeGaT Center For Human Genetics Tuebingen Variant Classification Criteria Version 2. Collection method: clinical testing. Allele origin: germline. Affected: yes. Observed: 1 variant allele.
Comment: POLR3B: PM2